The following is an entry in ClinVar:

NM_000553.6(WRN):c.2557G>C (p.Gly853Arg)

Gene: WRN (WRN RecQ like helicase; plus strand). Cytogenetic location: 8p12.
Variant type: single nucleotide variant.
Coding change: c.2557G>C on transcript NM_000553.6 (MANE Select); coding-DNA position 2557, G replaced by C.
Protein change: p.Gly853Arg; replaces glycine 853 with arginine.
Molecular consequence: missense variant.
Genome position (GRCh38, 1-based): chr8:31,120,351, G>C. VCF-style: chr8-31120351-G-C. GRCh37 (hg19) VCF-style: chr8-30977867-G-C.
Other names: short protein forms G853R.
Identifiers: ClinVar variation 2737763 (VCV002737763.3), dbSNP rs1554528396, ClinGen allele CA370915555.

ClinVar aggregate classification (germline): Uncertain significance (1 of 4 stars; one submission).

Conditions:
Werner syndrome (WRN). Identifiers: Orphanet 902, MedGen C0043119, MONDO:0010196, OMIM 277700.

Submission:

Labcorp Genetics (formerly Invitae), Labcorp
Classification: Uncertain significance for Werner syndrome. Last evaluated: 2023-06-05. Review status: criteria provided, single submitter. Criteria: Invitae Variant Classification Sherloc (09022015). Collection method: clinical testing. Allele origin: germline.
Comment: This sequence change replaces glycine, which is neutral and non-polar, with arginine, which is basic and polar, at codon 853 of the WRN protein (p.Gly853Arg). This variant is not present in population databases (gnomAD no frequency). This variant has not been reported in the literature in individuals affected with WRN-related conditions. An algorithm developed to predict the effect of missense changes on protein structure and function (PolyPhen-2) suggests that this variant is likely to be disruptive. In summary, the available evidence is currently insufficient to determine the role of this variant in disease. Therefore, it has been classified as a Variant of Uncertain Significance.